The following is an entry in ClinVar:

NM_003919.3(SGCE):c.463+695del

Genes: CASD1 (CAS1 domain sialic acid O acetyltransferase 1; plus strand), SGCE (sarcoglycan epsilon; minus strand). Cytogenetic location: 7q21.3.
Variant type: Deletion.
Coding change: c.463+695del on transcript NM_003919.3 (MANE Select); 695 bases into the intron after coding-DNA position 463, one base deleted (T; older notation c.463+695delT).
Molecular consequence: intron variant.
Genome position (GRCh38, 1-based): chr7:94,622,630, A deleted on the plus strand (T on the coding strand, the reverse complement: SGCE is on the minus strand); the first of 15 consecutive A bases (chr7:94,622,630-94,622,644); deleting any one gives the same sequence. VCF-style (leftmost placement, unchanged base first): chr7-94622629-CA-C. GRCh37 (hg19) VCF-style: chr7-94251941-CA-C.
Other names: c.340+695del (NM_001362809.2, NM_001301139.2); c.463+695del (NM_001346717.2, NM_001099400.2, NM_001099401.2); c.571+695del (NM_001346715.2, NM_001346713.2); c.376+695del (NM_001362807.2, NM_001346719.2); c.190+695del (NM_001362808.2, NM_001346720.2).
Identifiers: ClinVar variation 2579023 (VCV002579023.25), dbSNP rs1246025560, ClinGen allele CA576330047.
Genomic context (GRCh38, chr7:94,622,629, plus strand): 5'-CAGTTAGCCGAGATGGTGCCATTGCACTCCAGCCTGGGTGACGAGAGCAAGACTCCATCT[CA>C]AAAAAAAAAAAAAAGAAAATTAACTACAAAGTATTTGGTGATATTTTCCCAATTGATTAA-3'

ClinVar aggregate classification (germline): Likely benign (1 of 4 stars; one submission).

Submission:

CeGaT Center for Human Genetics Tuebingen
Classification: Likely benign. Last evaluated: 2023-08-01. Review status: criteria provided, single submitter. Criteria: CeGaT Center For Human Genetics Tuebingen Variant Classification Criteria Version 2. Collection method: clinical testing. Allele origin: germline. Affected: yes. Observed: 2 variant alleles.
Comment: SGCE: BP4, BS1